The following is an entry in ClinVar:

NM_003036.4(SKI):c.38C>G (p.Pro13Arg)

Gene: SKI (SKI proto-oncogene; plus strand). Cytogenetic location: 1p36.33.
Variant type: single nucleotide variant.
Coding change: c.38C>G on transcript NM_003036.4 (MANE Select); coding-DNA position 38, C replaced by G.
Protein change: p.Pro13Arg; replaces proline 13 with arginine.
Molecular consequence: missense variant.
Genome position (GRCh38, 1-based): chr1:2,228,804, C>G. VCF-style: chr1-2228804-C-G. GRCh37 (hg19) VCF-style: chr1-2160243-C-G.
Other names: short protein forms P13R.
Identifiers: ClinVar variation 4799788 (VCV004799788.1).

ClinVar aggregate classification (germline): Uncertain significance (1 of 4 stars; one submission).

Conditions:
Shprintzen-Goldberg syndrome (SGS). Also called: Marfanoid disorder with craniosynostosis type 1; Marfanoid craniosynostosis syndrome; Shprintzen-Goldberg marfanoid syndrome; SHPRINTZEN-GOLDBERG CRANIOSYNOSTOSIS SYNDROME; CRANIOSYNOSTOSIS WITH ARACHNODACTYLY AND ABDOMINAL HERNIAS. Identifiers: Orphanet 2462, MedGen C1321551, MONDO:0008426, OMIM 182212.

Submission:

Labcorp Genetics (formerly Invitae), Labcorp
Classification: Uncertain significance for Shprintzen-Goldberg syndrome. Last evaluated: 2025-05-25. Review status: criteria provided, single submitter. Criteria: Invitae Variant Classification Sherloc (09022015). Collection method: clinical testing. Allele origin: germline.
Comment: This sequence change replaces proline, which is neutral and non-polar, with arginine, which is basic and polar, at codon 13 of the SKI protein (p.Pro13Arg). This variant is not present in population databases (gnomAD no frequency). This variant has not been reported in the literature in individuals affected with SKI-related conditions. Invitae Evidence Modeling of protein sequence and biophysical properties (such as structural, functional, and spatial information, amino acid conservation, physicochemical variation, residue mobility, and thermodynamic stability) indicates that this missense variant is expected to disrupt SKI protein function with a positive predictive value of 95%. In summary, the available evidence is currently insufficient to determine the role of this variant in disease. Therefore, it has been classified as a Variant of Uncertain Significance.